The following is an entry in ClinVar:

NM_033305.3(VPS13A):c.8613del (p.Gly2871_Leu2872insTer)

Gene: VPS13A (vacuolar protein sorting 13 homolog A; plus strand). Cytogenetic location: 9q21.2.
Variant type: Deletion.
Coding change: c.8613del on transcript NM_033305.3 (MANE Select); coding-DNA position 8613, one base deleted (C; older notation c.8613delC).
Protein change: p.Gly2871_Leu2872insTer.
Molecular consequence: frameshift variant.
Genome position (GRCh38, 1-based): chr9:77,369,358, C deleted. VCF-style (leftmost placement, unchanged base first): chr9-77369357-GC-G. GRCh37 (hg19) VCF-style: chr9-79984273-GC-G.
Other names: c.8496del, p.Gly2832_Leu2833insTer (NM_001018037.2); c.8613del, p.Gly2871_Leu2872insTer (NM_001018038.3, NM_015186.4).
Identifiers: ClinVar variation 2107601 (VCV002107601.4), dbSNP rs2538198237, ClinGen allele CA2580080642.

ClinVar aggregate classification (germline): Pathogenic (1 of 4 stars; one submission).

Submission:

Labcorp Genetics (formerly Invitae), Labcorp
Classification: Pathogenic. Last evaluated: 2022-03-08. Review status: criteria provided, single submitter. Criteria: Invitae Variant Classification Sherloc (09022015). Collection method: clinical testing. Allele origin: germline.
Comment: For these reasons, this variant has been classified as Pathogenic. This variant has not been reported in the literature in individuals affected with VPS13A-related conditions. This variant is not present in population databases (gnomAD no frequency). This sequence change creates a premature translational stop signal (p.Leu2872*) in the VPS13A gene. It is expected to result in an absent or disrupted protein product. Loss-of-function variants in VPS13A are known to be pathogenic (PMID: 12404112, 21598378).

Literature cited by the submitters: PubMed 12404112; PubMed 21598378.